The following is an entry in ClinVar:

NM_000059.4(BRCA2):c.8746T>A (p.Tyr2916Asn)

Gene: BRCA2 (BRCA2 DNA repair associated; plus strand). Cytogenetic location: 13q13.1.
Variant type: single nucleotide variant.
Coding change: c.8746T>A on transcript NM_000059.4 (MANE Select); coding-DNA position 8746, T replaced by A.
Protein change: p.Tyr2916Asn; replaces tyrosine 2916 with asparagine.
Molecular consequence: missense variant.
Genome position (GRCh38, 1-based): chr13:32,376,783, T>A. VCF-style: chr13-32376783-T-A. GRCh37 (hg19) VCF-style: chr13-32950920-T-A.
Other names: Y2916N; 8974T>A.
Identifiers: ClinVar variation 96872 (VCV000096872.12), dbSNP rs431825369, ClinGen allele CA025799.
Genomic context (GRCh38, chr13:32,376,783, plus strand): 5'-CGTGCTTTGCAAGATGGTGCAGAGCTTTATGAAGCAGTGAAGAATGCAGCAGACCCAGCT[T>A]ACCTTGAGGTGAGAGAGTAAGAGGACATATAATGAGGCTTGATGATTATTCAAGGTGAGA-3'
Protein context (NP_000050.3, residues 2906-2926): EAVKNAADPA[Tyr2916Asn]LEGYFSEEQL

ClinVar aggregate classification (germline): Uncertain significance. Review status: criteria provided, single submitter (1 of 4 stars). 2 submissions from 2 submitters: Uncertain significance (1). 1 of the submissions does not count toward it. Last evaluated 2021-07-09.

Conditions:
Hereditary breast ovarian cancer syndrome. Also called: Breast and ovarian cancer; Hereditary breast and/or ovarian cancer syndrome; Hereditary breast and ovarian cancer; Hereditary breast and ovarian cancer syndrome; Hereditary breast and ovarian cancer syndrome (HBOC); BRCA1- and BRCA2-Associated Hereditary Breast and Ovarian Cancer. Identifiers: Orphanet 145, MedGen C0677776, MeSH D061325, MONDO:0003582. Disease mechanism: loss of function.
Breast-ovarian cancer, familial, susceptibility to, 2 (BROVCA2). Also called: BRCA2 Hereditary Breast and Ovarian Cancer. Identifiers: Orphanet 145, MedGen C2675520, MONDO:0012933, OMIM 612555. Disease mechanism: loss of function.

Submissions (2):

Labcorp Genetics (formerly Invitae), Labcorp
Classification: Uncertain significance for Hereditary breast ovarian cancer syndrome. Last evaluated: 2021-07-09. Review status: criteria provided, single submitter. Criteria: Invitae Variant Classification Sherloc (09022015). Collection method: clinical testing. Allele origin: germline.
Comment: This sequence change replaces tyrosine with asparagine at codon 2916 of the BRCA2 protein (p.Tyr2916Asn). The tyrosine residue is moderately conserved and there is a large physicochemical difference between tyrosine and asparagine. This variant is not present in population databases (ExAC no frequency). This variant has not been reported in the literature in individuals with BRCA2-related conditions. ClinVar contains an entry for this variant (Variation ID: 96872). Algorithms developed to predict the effect of missense changes on protein structure and function are either unavailable or do not agree on the potential impact of this missense change (SIFT: "Tolerated"; PolyPhen-2: "Possibly Damaging"; Align-GVGD: "Class C0"). In summary, the available evidence is currently insufficient to determine the role of this variant in disease. Therefore, it has been classified as a Variant of Uncertain Significance.

Sharing Clinical Reports Project (SCRP)
Classification: Uncertain significance for Breast-ovarian cancer, familial 2. Last evaluated: 2012-03-16. Review status: no assertion criteria provided. Collection method: clinical testing. Allele origin: germline. Not counted in ClinVar's aggregate classification.